The following is an entry in ClinVar:

NM_001080467.3(MYO5B):c.*1921G>C

Genes: SNHG22 (small nucleolar RNA host gene 22; plus strand), MYO5B (myosin VB; minus strand). Cytogenetic location: 18q21.1.
Variant type: single nucleotide variant.
Coding change: c.*1921G>C on transcript NM_001080467.3 (MANE Select); 1921 bases downstream of the stop codon, G replaced by C.
Molecular consequence: 3 prime UTR variant.
Genome position (GRCh38, 1-based): chr18:49,824,550, C>G on the plus strand (G>C on the coding strand, the complement: MYO5B is on the minus strand). VCF-style: chr18-49824550-C-G. GRCh37 (hg19) VCF-style: chr18-47350920-C-G.
Identifiers: ClinVar variation 326960 (VCV000326960.6), dbSNP rs111319402, ClinGen allele CA10650895.

ClinVar aggregate classification (germline): Benign. Review status: criteria provided, multiple submitters, no conflicts (2 of 4 stars). 2 submissions from 2 submitters: Benign (2). Last evaluated 2018-01-13.

Conditions:
Congenital microvillous atrophy (DIAR2). Also called: DAVIDSON DISEASE; MICROVILLUS ATROPHY, CONGENITAL; Microvillus inclusion disease; Diarrhea 2 with microvillus atrophy, with or without cholestasis; CONGENITAL FAMILIAL PROTRACTED DIARRHEA WITH ENTEROCYTE BRUSH-BORDER ABNORMALITIES. Identifiers: Orphanet 2290, MedGen C0341306, MONDO:0009635, OMIM 251850.

Allele frequency attached by ClinVar (database versions not stated): gnomAD 0.11314 and 0.11733; 1000 Genomes Project 30x 0.13429; 1000 Genomes Project 0.14577.

Submissions (2):

Illumina Laboratory Services, Illumina
Classification: Benign for Congenital microvillous atrophy. Last evaluated: 2018-01-13. Review status: criteria provided, single submitter. Criteria: ICSL Variant Classification Criteria 13 December 2019. Collection method: clinical testing. Allele origin: germline.
Comment: This variant was observed in the ICSL laboratory as part of a predisposition screen in an ostensibly healthy population. It had not been previously curated by ICSL or reported in the Human Gene Mutation Database (HGMD: prior to June 1st, 2018), and was therefore a candidate for classification through an automated scoring system. Utilizing variant allele frequency, disease prevalence and penetrance estimates, and inheritance mode, an automated score was calculated to assess if this variant is too frequent to cause the disease. Based on the score and internal cut-off values, a variant classified as benign is not then subjected to further curation. The score for this variant resulted in a classification of benign for this disease.

Breakthrough Genomics
Classification: Benign. Review status: criteria provided, single submitter. Criteria: ACMG Guidelines, 2015. Collection method: not provided. Allele origin: germline. Inheritance: Autosomal recessive inheritance. Affected: yes.